The following is an entry in ClinVar:

ClinVar aggregate classification (germline): Pathogenic (1 of 4 stars; one submission).

Conditions:
Neurodevelopmental disorder. Identifiers: MedGen C1535926, MeSH D065886, MONDO:0700092.

gnomAD v4.1: 1 of 1,613,356 alleles (0.000062%); highest among the groups gnomAD compares: South Asian, 0.0011%; no homozygotes.

Submission:

Victorian Clinical Genetics Services, Murdoch Childrens Research Institute
Classification: Pathogenic for Neurodevelopmental disorder. Last evaluated: 2024-10-10. Review status: criteria provided, single submitter. Criteria: ACMG Guidelines, 2015. Collection method: clinical testing. Allele origin: germline. Inheritance: Autosomal dominant inheritance. Affected: yes.
Comment: Based on the classification scheme VCGS_Germline_v1.3.5, this variant is classified as Pathogenic. Following criteria are met: 0102 - Loss of function is a known mechanism of disease in this gene and is associated with neurodevelopmental disorder (MONDO:0700092), RFX3-related. (I) 0107 - This gene is associated with autosomal dominant disease. (I) 0201 - Variant is predicted to cause nonsense-mediated decay (NMD) and loss of protein (premature termination codon is located at least 54 nucleotides upstream of the final exon-exon junction). (SP) 0251 - This variant is heterozygous. (I) 0302 - Variant is present in gnomAD (v4) <0.001 for a dominant condition (1 heterozygote, 0 homozygotes). (SP) 0702 - Other NMD-predicted variants comparable to the one identified in this case have strong previous evidence for pathogenicity (DECIPHER; PMIDs: 33658631, 28831199). (SP) 0807 - This variant has no previous evidence of pathogenicity. (I) 0905 - No published segregation evidence has been identified for this variant. (I) 1007 - No published functional evidence has been identified for this variant. (I) Legend: (SP) - Supporting pathogenic, (I) - Information, (SB) - Supporting benign

Literature cited by the submitters: PubMed 28831199; PubMed 33658631.

NM_001282116.2(RFX3):c.628C>T (p.Arg210Ter)

Gene: RFX3 (regulatory factor X3; minus strand). Cytogenetic location: 9p24.2.
Variant type: single nucleotide variant.
Coding change: c.628C>T on transcript NM_001282116.2 (MANE Select); coding-DNA position 628, C replaced by T.
Protein change: p.Arg210Ter; replaces arginine 210 with a stop codon.
Molecular consequence: nonsense.
Genome position (GRCh38, 1-based): chr9:3,293,180, G>A on the plus strand (C>T on the coding strand, the complement: RFX3 is on the minus strand). VCF-style: chr9-3293180-G-A. GRCh37 (hg19) VCF-style: chr9-3293180-G-A.
Other names: c.628C>T, p.Arg210Ter (NM_001282117.2, NM_001377999.1, NM_002919.4 and 1 more transcripts); short protein forms R210*.
Identifiers: ClinVar variation 3377167 (VCV003377167.1).